The following is an entry in ClinVar:

NM_001609.4(ACADSB):c.1140AAC[1] (p.Thr382del)

Gene: ACADSB (acyl-CoA dehydrogenase short/branched chain; plus strand). Cytogenetic location: 10q26.13.
Variant type: Microsatellite.
Coding change: c.1140AAC[1] on transcript NM_001609.4 (MANE Select); one copy of the 3-base unit AAC starting at c.1140; the reference has two copies in a row; one copy, 3 bases deleted.
Protein change: p.Thr382del; deletes threonine 382.
Molecular consequence: inframe deletion.
Genome position (GRCh38, 1-based): chr10:123,053,075-123,053,077, AAC deleted; deleting any 3 consecutive bases within chr10:123,053,072-123,053,077 gives the same sequence; the position shown is the placement nearest the transcript's 3' end. VCF-style (leftmost placement, unchanged base first): chr10-123053071-AAAC-A. GRCh37 (hg19) VCF-style: chr10-124812587-AAAC-A.
Other names: c.834AAC[1], p.Thr280del (NM_001330174.3); short protein forms T280del, T382del.
Identifiers: ClinVar variation 2498472 (VCV002498472.28), dbSNP rs2493667883, ClinGen allele CA2580616880.

ClinVar aggregate classification (germline): Uncertain significance (1 of 4 stars; one submission).

Submission:

CeGaT Center for Human Genetics Tuebingen
Classification: Uncertain significance. Last evaluated: 2023-01-01. Review status: criteria provided, single submitter. Criteria: CeGaT Center For Human Genetics Tuebingen Variant Classification Criteria Version 2. Collection method: clinical testing. Allele origin: germline. Affected: yes. Observed: 1 variant allele.
Comment: ACADSB: PM2, PP4:Moderate, PM4:Supporting